The following is an entry in ClinVar:

NM_002677.5(PMP2):c.100G>A (p.Gly34Arg)

Gene: PMP2 (peripheral myelin protein 2; minus strand). Cytogenetic location: 8q21.13.
Variant type: single nucleotide variant.
Coding change: c.100G>A on transcript NM_002677.5 (MANE Select); coding-DNA position 100, G replaced by A.
Protein change: p.Gly34Arg; replaces glycine 34 with arginine.
Molecular consequence: missense variant. On other transcripts: intron variant (1).
Genome position (GRCh38, 1-based): chr8:81,444,963, C>T on the plus strand (G>A on the coding strand, the complement: PMP2 is on the minus strand). VCF-style: chr8-81444963-C-T. GRCh37 (hg19) VCF-style: chr8-82357198-C-T.
Other names: c.74-362G>A (NM_001348381.2); short protein forms G34R.
Identifiers: ClinVar variation 4852320 (VCV004852320.1).

ClinVar aggregate classification (germline): Likely benign (1 of 4 stars; one submission).

Conditions:
Charcot-Marie-Tooth disease, demyelinating, type 1G (CMT1G). Identifiers: Orphanet 476394, MedGen C4748940, MONDO:0033135, OMIM 618279.

gnomAD v4.1: 11 of 1,613,594 alleles (0.00068%); highest among the groups gnomAD compares: South Asian, 0.012%; no homozygotes.

Submission:

Centre for Medical Genetics,  Mumbai
Classification: Likely benign for Charcot-Marie-Tooth disease, demyelinating, type 1G. Last evaluated: 2026-05-13. Review status: criteria provided, single submitter. Criteria: ACMG Guidelines, 2015. Collection method: provider interpretation. Allele origin: germline. Inheritance: Autosomal dominant inheritance. Affected: no. Observed: 1 variant allele, 1 heterozygote.
Comment: The variant satisfies PM2 criteria - extremely low frequency in gnomAD population databases. However, the variant satisfies BS2 criteria - present in heterozygous state in an individual that clinically does not have Charcot-Marie-Tooth disease.

Literature cited by the submitters: PubMed 26257172.